The following is an entry in ClinVar:

ClinVar aggregate classification (germline): Uncertain significance (1 of 4 stars; one submission).

Conditions:
ERAL1-related disorder. Also called: ERAL1-related condition.

gnomAD v4.1: 25 of 1,613,988 alleles (0.0015%); highest among the groups gnomAD compares: Admixed American, 0.023%; no homozygotes.

Submission:

PreventionGenetics, part of Exact Sciences
Classification: Uncertain significance for ERAL1-related condition. Last evaluated: 2026-02-11. Review status: criteria provided, single submitter. Criteria: ACMG Guidelines, 2015. Collection method: clinical testing. Allele origin: germline.
Comment: The ERAL1 c.406C>T variant is predicted to result in premature protein termination (p.Arg136*). To our knowledge, this variant has not been reported in the literature. This variant is reported in 0.0054% of alleles in individuals of East Asian descent in gnomAD. At this time, the clinical significance of this variant is uncertain due to the absence of conclusive functional and genetic evidence.

NM_005702.4(ERAL1):c.406C>T (p.Arg136Ter)

Gene: ERAL1 (Era like 12S mitochondrial rRNA chaperone 1; plus strand). Cytogenetic location: 17q11.2.
Variant type: single nucleotide variant.
Coding change: c.406C>T on transcript NM_005702.4 (MANE Select); coding-DNA position 406, C replaced by T.
Protein change: p.Arg136Ter; replaces arginine 136 with a stop codon.
Molecular consequence: nonsense. On other transcripts: non-coding transcript variant (1).
Genome position (GRCh38, 1-based): chr17:28,856,386, C>T. VCF-style: chr17-28856386-C-T. GRCh37 (hg19) VCF-style: chr17-27183404-C-T.
Other names: c.406C>T, p.Arg136Ter (NM_001317985.2, NM_001317986.2); short protein forms R136*.
Identifiers: ClinVar variation 4990521 (VCV004990521.1).